The following is an entry in ClinVar:

NM_002633.3(PGM1):c.988G>C (p.Gly330Arg)

Gene: PGM1 (phosphoglucomutase 1; plus strand). Cytogenetic location: 1p31.3.
Variant type: single nucleotide variant.
Coding change: c.988G>C on transcript NM_002633.3 (MANE Select); coding-DNA position 988, G replaced by C.
Protein change: p.Gly330Arg; replaces glycine 330 with arginine.
Molecular consequence: missense variant.
Genome position (GRCh38, 1-based): chr1:63,636,348, G>C. VCF-style: chr1-63636348-G-C. GRCh37 (hg19) VCF-style: chr1-64102019-G-C.
Other names: c.1042G>C, p.Gly348Arg (NM_001172818.1); c.397G>C, p.Gly133Arg (NM_001172819.2); c.988G>C (NM_002633.2); short protein forms G133R, G330R, G348R.
Identifiers: ClinVar variation 1067257 (VCV001067257.15), dbSNP rs777164338, ClinGen allele CA889678.

ClinVar aggregate classification (germline): Pathogenic/Likely pathogenic. Review status: criteria provided, multiple submitters, no conflicts (2 of 4 stars). 5 submissions from 5 submitters: Pathogenic (1); Likely pathogenic (3). 1 of the submissions does not count toward it. Last evaluated 2025-08-19.

Conditions:
PGM1-related disorder. Also called: PGM1-related condition; PGM1-related disorders.
PGM1-congenital disorder of glycosylation. Also called: CDG It; Congenital disorder of glycosylation type 1t; PHOSPHOGLUCOMUTASE 1 DEFICIENCY; PGM1 DEFICIENCY; GLYCOGEN STORAGE DISEASE XIV; GSD XIV. Identifiers: Orphanet 319646, MedGen C2752015, MONDO:0013968, OMIM 614921.

Allele frequency attached by ClinVar (database versions not stated): gnomAD 0.00004 and 0.00005.
gnomAD v4.1: 193 of 1,613,970 alleles (0.012%); highest among the groups gnomAD compares: Non-Finnish European, 0.016%; no homozygotes.

Submissions (5):

Variantyx, Inc.
Classification: Likely pathogenic for PGM1-congenital disorder of glycosylation. Last evaluated: 2025-08-19. Review status: criteria provided, single submitter. Criteria: Variantyx Assertion Criteria 2022. Collection method: clinical testing. Allele origin: germline. Inheritance: Autosomal recessive inheritance.
Comment: This is a nonsynonymous variant in the PGM1 gene (OMIM: 171900). Pathogenic variants in this gene have been associated with autosomal recessive congenital disorder of glycosylation, type It. This variant has been reported in the homozygous or compound heterozygous state in at least one affected individual (PMID: 30048639, 37181075 , 33342467 ) (PM3_Supporting). Functional studies have shown that this variant alters PGM1 protein function (PMID: 25288802) (PS3) and multiple computational algorithms predict a deleterious effect for this variant (REVEL score: 0.904) (PP3_Moderate). This variant has a 0.0157% maximum allele frequency in non-founder control populations (PM2_Supporting). Based on the current evidence, this variant is classified as likely pathogenic for autosomal recessive congenital disorder of glycosylation, type It.

Labcorp Genetics (formerly Invitae), Labcorp
Classification: Pathogenic for PGM1-congenital disorder of glycosylation. Last evaluated: 2025-04-30. Review status: criteria provided, single submitter. Criteria: Invitae Variant Classification Sherloc (09022015). Collection method: clinical testing. Allele origin: germline.
Comment: This sequence change replaces glycine, which is neutral and non-polar, with arginine, which is basic and polar, at codon 330 of the PGM1 protein (p.Gly330Arg). This variant is present in population databases (rs777164338, gnomAD 0.02%). This missense change has been observed in individual(s) with PGM1-congenital disorder of glycosylation (PMID: 24499211, 33473337; internal data). This variant is also known as c.1042G>C (p.Gly348Arg). ClinVar contains an entry for this variant (Variation ID: 1067257). Invitae Evidence Modeling of protein sequence and biophysical properties (such as structural, functional, and spatial information, amino acid conservation, physicochemical variation, residue mobility, and thermodynamic stability) indicates that this missense variant is expected to disrupt PGM1 protein function with a positive predictive value of 80%. Experimental studies have shown that this missense change affects PGM1 function (PMID: 25288802). For these reasons, this variant has been classified as Pathogenic.

Blueprint Genetics
Classification: Likely pathogenic for PGM1-related disorders. Last evaluated: 2024-08-26. Review status: criteria provided, single submitter. Criteria: ACMG Guidelines, 2015. Collection method: clinical testing. Allele origin: germline. Affected: yes. Observed: 5 variant alleles.

Revvity Omics, Revvity
Classification: Likely pathogenic for PGM1-congenital disorder of glycosylation. Last evaluated: 2021-10-14. Review status: criteria provided, single submitter. Criteria: ACMG Guidelines, 2015. Collection method: clinical testing. Allele origin: germline.

PreventionGenetics, part of Exact Sciences
Classification: Pathogenic for PGM1-related condition. Last evaluated: 2024-07-18. Review status: no assertion criteria provided. Collection method: clinical testing. Allele origin: germline. Not counted in ClinVar's aggregate classification.
Comment: The PGM1 c.988G>C variant is predicted to result in the amino acid substitution p.Gly330Arg. This variant has been reported with other PGM1 variants in multiple individuals with phosphoglucomutase deficiency (see for example, Table S1, Tegtmeyer et al. 2014. PubMed ID: 24499211; Donoghue et al. 2020. PubMed ID: 33473337; Radenkovic et al. 2023. PubMed ID: 37181075). This variant has also been reported in the compound heterozygous state in an individual with cleft palate (Table S4, Wilson et al. 2023. PubMed ID: 37010288). This variant is reported in 0.018% of alleles in individuals of European (non-Finnish) descent in gnomAD. An in vitro experimental study suggests this variant affects protein function (Lee et al. 2014. PubMed ID: 25288802). This variant is interpreted as pathogenic.

Literature cited by the submitters: PubMed 25288802 (cited by Variantyx, Inc. and Labcorp Genetics (formerly Invitae), Labcorp); PubMed 30048639 (cited by Variantyx, Inc.); PubMed 37181075 (cited by Variantyx, Inc.); PubMed 33342467 (cited by Variantyx, Inc.); PubMed 24499211 (cited by Labcorp Genetics (formerly Invitae), Labcorp); PubMed 33473337 (cited by Labcorp Genetics (formerly Invitae), Labcorp).